The following is an entry in ClinVar:

NM_031935.3(HMCN1):c.15943+1G>T

Gene: HMCN1 (hemicentin 1; plus strand). Cytogenetic location: 1q31.1.
Variant type: single nucleotide variant.
Coding change: c.15943+1G>T on transcript NM_031935.3 (MANE Select); the canonical splice donor site of the intron after coding-DNA position 15943, G replaced by T.
Molecular consequence: splice donor variant.
Genome position (GRCh38, 1-based): chr1:186,174,643, G>T. VCF-style: chr1-186174643-G-T. GRCh37 (hg19) VCF-style: chr1-186143775-G-T.
Identifiers: ClinVar variation 1411567 (VCV001411567.6), dbSNP rs377293468, ClinGen allele CA1295425.

ClinVar aggregate classification (germline): Uncertain significance (1 of 4 stars; one submission).

Allele frequency attached by ClinVar (database versions not stated): ExAC 0.00001; gnomAD exomes 0.00001; ESP Exome Variant Server 0.00008.
gnomAD v4.1: 21 of 1,614,006 alleles (0.0013%); highest among the groups gnomAD compares: Non-Finnish European, 0.0018%; no homozygotes.

Submission:

Labcorp Genetics (formerly Invitae), Labcorp
Classification: Uncertain significance. Last evaluated: 2025-04-25. Review status: criteria provided, single submitter. Criteria: Invitae Variant Classification Sherloc (09022015). Collection method: clinical testing. Allele origin: germline.
Comment: This sequence change affects a donor splice site in intron 103 of the HMCN1 gene. It is expected to disrupt RNA splicing. Variants that disrupt the donor or acceptor splice site typically lead to a loss of protein function (PMID: 16199547), however the current clinical and genetic evidence is not sufficient to establish whether loss-of-function variants in HMCN1 cause disease. This variant is present in population databases (rs377293468, gnomAD 0.0009%). This variant has not been reported in the literature in individuals affected with HMCN1-related conditions. ClinVar contains an entry for this variant (Variation ID: 1411567). Algorithms developed to predict the effect of sequence changes on RNA splicing suggest that this variant may disrupt the consensus splice site. In summary, the available evidence is currently insufficient to determine the role of this variant in disease. Therefore, it has been classified as a Variant of Uncertain Significance.

Literature cited by the submitters: PubMed 16199547.